The following is an entry in ClinVar:

NM_001127898.4(CLCN5):c.1917T>G (p.Phe639Leu)

Genes: CLCN5 (chloride voltage-gated channel 5; plus strand), LOC126863258 (BRD4-independent group 4 enhancer GRCh37_chrX:49854497-49855696; plus strand). Cytogenetic location: Xp11.23.
Variant type: single nucleotide variant.
Coding change: c.1917T>G on transcript NM_001127898.4 (MANE Select); coding-DNA position 1917, T replaced by G.
Protein change: p.Phe639Leu; replaces phenylalanine 639 with leucine.
Molecular consequence: missense variant.
Genome position (GRCh38, 1-based): chrX:50,090,288, T>G. VCF-style: chrX-50090288-T-G. GRCh37 (hg19) VCF-style: chrX-49854945-T-G.
Other names: c.1707T>G, p.Phe569Leu (NM_000084.5); c.1917T>G, p.Phe639Leu (NM_001127899.4); c.1767T>G, p.Phe589Leu (NM_001282163.2); short protein forms F639L, F569L, F589L.
Identifiers: ClinVar variation 950001 (VCV000950001.10), dbSNP rs1934044581, ClinGen allele CA413189428.

ClinVar aggregate classification (germline): Uncertain significance (1 of 4 stars; one submission).

Submission:

Labcorp Genetics (formerly Invitae), Labcorp
Classification: Uncertain significance. Last evaluated: 2019-08-14. Review status: criteria provided, single submitter. Criteria: Invitae Variant Classification Sherloc (09022015). Collection method: clinical testing. Allele origin: germline.
Comment: This variant has not been reported in the literature in individuals with CLCN5-related conditions. This variant is not present in population databases (ExAC no frequency). Algorithms developed to predict the effect of missense changes on protein structure and function are either unavailable or do not agree on the potential impact of this missense change (SIFT: "Deleterious"; PolyPhen-2: "Probably Damaging"; Align-GVGD: "Class C0"). This sequence change replaces phenylalanine with leucine at codon 569 of the CLCN5 protein (p.Phe569Leu). The phenylalanine residue is highly conserved and there is a small physicochemical difference between phenylalanine and leucine. In summary, the available evidence is currently insufficient to determine the role of this variant in disease. Therefore, it has been classified as a Variant of Uncertain Significance.